The following is an entry in ClinVar:

ClinVar aggregate classification (germline): Likely benign. Review status: criteria provided, single submitter (1 of 4 stars). 2 submissions from 2 submitters: Likely benign (1). 1 of the submissions does not count toward it. Last evaluated 2024-07-16.

Conditions:
POLG-related disorder. Also called: POLG-related condition; POLG-Related Disorders; POLG-Related Spectrum Disorders. Identifiers: MedGen C4763519.
Progressive sclerosing poliodystrophy (MTDPS4A). Also called: ALPERS PROGRESSIVE INFANTILE POLIODYSTROPHY; NEURONAL DEGENERATION OF CHILDHOOD WITH LIVER DISEASE, PROGRESSIVE; Mitochondrial DNA Depletion Syndrome 4A; Alpers-Huttenlocher Syndrome (AHS); Alpers Syndrome; ALPERS DIFFUSE DEGENERATION OF CEREBRAL GRAY MATTER WITH HEPATIC CIRRHOSIS. Identifiers: Orphanet 726, MedGen C0205710, MONDO:0008758, OMIM 203700.

Allele frequency attached by ClinVar (database versions not stated): gnomAD exomes 0.00002 and 0.00004; ExAC 0.00005.
gnomAD v4.1: 25 of 1,608,858 alleles (0.0016%); highest among the groups gnomAD compares: South Asian, 0.026%; no homozygotes.

Submissions (2):

Labcorp Genetics (formerly Invitae), Labcorp
Classification: Likely benign for Progressive sclerosing poliodystrophy. Last evaluated: 2024-07-16. Review status: criteria provided, single submitter. Criteria: Invitae Variant Classification Sherloc (09022015). Collection method: clinical testing. Allele origin: germline.

PreventionGenetics, part of Exact Sciences
Classification: Likely benign for POLG-related condition. Last evaluated: 2023-06-16. Review status: no assertion criteria provided. Collection method: clinical testing. Allele origin: germline. Not counted in ClinVar's aggregate classification.
Comment: This variant is classified as likely benign based on ACMG/AMP sequence variant interpretation guidelines (Richards et al. 2015 PMID: 25741868, with internal and published modifications).

NM_002693.3(POLG):c.2166T>C (p.Arg722=)

Gene: POLG (DNA polymerase gamma, catalytic subunit; minus strand). Cytogenetic location: 15q26.1.
Variant type: single nucleotide variant.
Coding change: c.2166T>C on transcript NM_002693.3 (MANE Select); coding-DNA position 2166, T replaced by C.
Protein change: p.Arg722=; no amino-acid change (arginine 722 retained).
Molecular consequence: synonymous variant.
Genome position (GRCh38, 1-based): chr15:89,323,503, A>G on the plus strand (T>C on the coding strand, the complement: POLG is on the minus strand). VCF-style: chr15-89323503-A-G. GRCh37 (hg19) VCF-style: chr15-89866734-A-G.
Other names: c.2166T>C (NM_002693.2); c.2166T>C, p.Arg722= (NM_001126131.2).
Identifiers: ClinVar variation 1547165 (VCV001547165.10), dbSNP rs767669686, ClinGen allele CA7724555.
Genomic context (GRCh38, chr15:89,323,503, plus strand): 5'-CACGTCGTTGTAAGGTCCATTGCCATGGTGATAGCTGGGCTGGGTGTCCTTGGGGCCACC[A>G]CGGGCAGTCTGTGAGGGCCACACACCTATATCAGGCCCTGCTCCAGCACCTGCATTCAGC-3'
Protein context (NP_002684.1, residues 712-732): VPGQPLALTA[Arg722=]GGPKDTQPSY